The following is an entry in ClinVar:

ClinVar aggregate classification (germline): Uncertain significance (1 of 4 stars; one submission).

Allele frequency attached by ClinVar (database versions not stated): gnomAD exomes 0.00002 and 0.00005; ExAC 0.00006; ESP Exome Variant Server 0.00008; gnomAD 0.00008 and 0.00009; TOPMed 0.00011.
gnomAD v4.1: 39 of 1,609,752 alleles (0.0024%); highest among the groups gnomAD compares: African/African-American, 0.024%; no homozygotes.

Submission:

Labcorp Genetics (formerly Invitae), Labcorp
Classification: Uncertain significance. Last evaluated: 2022-10-03. Review status: criteria provided, single submitter. Criteria: Invitae Variant Classification Sherloc (09022015). Collection method: clinical testing. Allele origin: germline.
Comment: This sequence change replaces arginine, which is basic and polar, with glutamine, which is neutral and polar, at codon 866 of the RUSC2 protein (p.Arg866Gln). This variant is present in population databases (rs367899388, gnomAD 0.03%). This variant has not been reported in the literature in individuals affected with RUSC2-related conditions. ClinVar contains an entry for this variant (Variation ID: 1427520). Algorithms developed to predict the effect of missense changes on protein structure and function are either unavailable or do not agree on the potential impact of this missense change (SIFT: "Tolerated"; PolyPhen-2: "Probably Damaging"; Align-GVGD: "Class C0"). In summary, the available evidence is currently insufficient to determine the role of this variant in disease. Therefore, it has been classified as a Variant of Uncertain Significance.

NM_014806.5(RUSC2):c.2597G>A (p.Arg866Gln)

Gene: RUSC2 (RUN and SH3 domain containing 2; plus strand). Cytogenetic location: 9p13.3.
Variant type: single nucleotide variant.
Coding change: c.2597G>A on transcript NM_014806.5 (MANE Select); coding-DNA position 2597, G replaced by A.
Protein change: p.Arg866Gln; replaces arginine 866 with glutamine.
Molecular consequence: missense variant. On other transcripts: 5 prime UTR variant (1), non-coding transcript variant (1).
Genome position (GRCh38, 1-based): chr9:35,555,642, G>A. VCF-style: chr9-35555642-G-A. GRCh37 (hg19) VCF-style: chr9-35555639-G-A.
Other names: c.2597G>A, p.Arg866Gln (NM_001135999.2); c.-38G>A (NM_001330740.2); short protein forms R866Q.
Identifiers: ClinVar variation 1427520 (VCV001427520.5), dbSNP rs367899388, ClinGen allele CA5043900.
Genomic context (GRCh38, chr9:35,555,642, plus strand): 5'-ACCGGCTCCATGGAACAGGAAGCTTGCCGCCTCTGGGCTCCTGGCGATCTGGCCTCAGCC[G>A]AGCAGAGAGCCTGGCCCGGGGAGGTGGTGAGGGCAGCATGGCCACCAGGCCCAGTAATGG-3'
Protein context (NP_055621.2, residues 856-876): PLGSWRSGLS[Arg866Gln]AESLARGGGE